The following is an entry in ClinVar:

NM_001256012.3(MYH10):c.4799T>C (p.Met1600Thr)

Gene: MYH10 (myosin heavy chain 10; minus strand). Cytogenetic location: 17p13.1.
Variant type: single nucleotide variant.
Coding change: c.4799T>C on transcript NM_001256012.3 (MANE Select); coding-DNA position 4799, T replaced by C.
Protein change: p.Met1600Thr; replaces methionine 1600 with threonine.
Molecular consequence: missense variant.
Genome position (GRCh38, 1-based): chr17:8,490,425, A>G on the plus strand (T>C on the coding strand, the complement: MYH10 is on the minus strand). VCF-style: chr17-8490425-A-G. GRCh37 (hg19) VCF-style: chr17-8393743-A-G.
Other names: c.4733T>C, p.Met1578Thr (NM_001256095.2); c.4736T>C, p.Met1579Thr (NM_001375266.1); c.4706T>C, p.Met1569Thr (NM_005964.5); short protein forms M1569T, M1578T, M1579T, M1600T.
Identifiers: ClinVar variation 5008086 (VCV005008086.1).
Genomic context (GRCh38, chr17:8,490,425, plus strand): 5'-TCTTCATTCTGCTCATCCCTGGTTTGCAGGTCTCTCTCGAACTGCGCCTTCATGGCCTGC[A>G]TGTTGACCTCCAGACGAAGCTTGGCATCTTCCGTGGCCTGGAGTTCGTCTTCCAGCTCCT-3'
Protein context (NP_001242941.1, residues 1590-1610): EDAKLRLEVN[Met1600Thr]QAMKAQFERD

ClinVar aggregate classification (germline): Uncertain significance (1 of 4 stars; one submission).

Submission:

GeneDx
Classification: Uncertain significance. Last evaluated: 2026-02-12. Review status: criteria provided, single submitter. Criteria: GeneDx Variant Classification Process June 2021. Collection method: clinical testing. Allele origin: germline.
Comment: Not observed at significant frequency in large population cohorts (gnomAD); In silico analysis supports that this missense variant has a deleterious effect on protein structure/function; Has not been previously published as pathogenic or benign to our knowledge